The following is an entry in ClinVar:

ClinVar aggregate classification (germline): Conflicting classifications of pathogenicity. Review status: criteria provided, conflicting classifications (1 of 4 stars). 3 submissions from 3 submitters: Uncertain significance (2); Likely benign (1). Last evaluated 2025-05-05.

Conditions:
Epilepsy, childhood absence, susceptibility to, 6. Identifiers: Orphanet 64280, MedGen C2749872, MONDO:0012763, OMIM 611942.
Hyperaldosteronism, familial, type IV (HALD4). Also called: FH IV; ALDOSTERONISM, PRIMARY, AND HYPERTENSION. Identifiers: Orphanet 642671, MedGen C4310756, MONDO:0014875, OMIM 617027.
Idiopathic generalized epilepsy. Also called: Generalised epilepsy; EIG. Identifiers: MedGen C0270850, MONDO:0005579, OMIM 600669.

Allele frequency attached by ClinVar (database versions not stated): gnomAD exomes 0.00001; ExAC 0.00002; gnomAD 0.00003 and 0.00004.
gnomAD v4.1: 16 of 1,612,236 alleles (0.00099%); highest among the groups gnomAD compares: African/African-American, 0.008%; no homozygotes.

Submissions (3):

Labcorp Genetics (formerly Invitae), Labcorp
Classification: Likely benign for Idiopathic generalized epilepsy; Hyperaldosteronism, familial, type IV. Last evaluated: 2025-05-05. Review status: criteria provided, single submitter. Criteria: Invitae Variant Classification Sherloc (09022015). Collection method: clinical testing. Allele origin: germline.

Women's Health and Genetics/Laboratory Corporation of America, LabCorp
Classification: Uncertain significance. Last evaluated: 2024-02-21. Review status: criteria provided, single submitter. Criteria: LabCorp Variant Classification Summary - May 2015. Collection method: clinical testing. Allele origin: germline.
Comment: Variant summary: CACNA1H c.637G>A (p.Val213Met) results in a conservative amino acid change located in the Ion transport domain (IPR005821) of the encoded protein sequence. Four of five in-silico tools predict a damaging effect of the variant on protein function. The variant allele was found at a frequency of 1.2e-05 in 247820 control chromosomes. The available data on variant occurrences in the general population are insufficient to allow any conclusion about variant significance. To our knowledge, no occurrence of c.637G>A in individuals affected with Idiopathic Generalized Epilepsy and no experimental evidence demonstrating its impact on protein function have been reported. ClinVar contains an entry for this variant (Variation ID: 1433795). Based on the evidence outlined above, the variant was classified as uncertain significance.

Fulgent Genetics
Classification: Uncertain significance for Epilepsy, childhood absence, susceptibility to, 6; Hyperaldosteronism, familial, type IV. Last evaluated: 2021-09-28. Review status: criteria provided, single submitter. Criteria: ACMG Guidelines, 2015. Collection method: clinical testing. Allele origin: unknown.

NM_021098.3(CACNA1H):c.637G>A (p.Val213Met)

Gene: CACNA1H (calcium voltage-gated channel subunit alpha1 H; plus strand). Cytogenetic location: 16p13.3.
Variant type: single nucleotide variant.
Coding change: c.637G>A on transcript NM_021098.3 (MANE Select); coding-DNA position 637, G replaced by A.
Protein change: p.Val213Met; replaces valine 213 with methionine.
Molecular consequence: missense variant.
Genome position (GRCh38, 1-based): chr16:1,196,017, G>A. VCF-style: chr16-1196017-G-A. GRCh37 (hg19) VCF-style: chr16-1246017-G-A.
Other names: c.637G>A, p.Val213Met (NM_001005407.2); short protein forms V213M.
Identifiers: ClinVar variation 1433795 (VCV001433795.11), dbSNP rs772154386, ClinGen allele CA7799527.
Genomic context (GRCh38, chr16:1,196,017, plus strand): 5'-GTGAGCCTCTCGGCTATCAGGACCGTGCGGGTGCTGCGGCCCCTCCGCGCCATCAACCGC[G>A]TGCCTAGTAAGTGACCGGCCCCGACTGGGCTTGAGATCAACAGGCTTGCGTGTCCGCCAG-3'
Protein context (NP_066921.2, residues 203-223): VLRPLRAINR[Val213Met]PSMRILVTLL